The following is an entry in ClinVar:

NM_152594.3(SPRED1):c.*3057A>G

Gene: SPRED1 (sprouty related EVH1 domain containing 1; plus strand). Cytogenetic location: 15q14.
Variant type: single nucleotide variant.
Coding change: c.*3057A>G on transcript NM_152594.3 (MANE Select); 3057 bases downstream of the stop codon, A replaced by G.
Molecular consequence: 3 prime UTR variant.
Genome position (GRCh38, 1-based): chr15:38,354,721, A>G. VCF-style: chr15-38354721-A-G. GRCh37 (hg19) VCF-style: chr15-38646922-A-G.
Identifiers: ClinVar variation 315765 (VCV000315765.6), dbSNP rs72725362, ClinGen allele CA10641696.

ClinVar aggregate classification (germline): Likely benign. Review status: criteria provided, multiple submitters, no conflicts (2 of 4 stars). 2 submissions from 2 submitters: Likely benign (2). Last evaluated 2018-01-13.

Conditions:
Legius syndrome. Identifiers: Orphanet 137605, MedGen C1969623, MONDO:0012669, OMIM 611431. Disease mechanism: loss of function.

Allele frequency attached by ClinVar (database versions not stated): 1000 Genomes Project 30x 0.00656; 1000 Genomes Project 0.00679; TOPMed 0.01042; gnomAD 0.01073 and 0.01095.

Submissions (2):

Illumina Laboratory Services, Illumina
Classification: Likely benign for Legius syndrome. Last evaluated: 2018-01-13. Review status: criteria provided, single submitter. Criteria: ICSL Variant Classification Criteria 13 December 2019. Collection method: clinical testing. Allele origin: germline.
Comment: This variant was observed in the ICSL laboratory as part of a predisposition screen in an ostensibly healthy population. It had not been previously curated by ICSL or reported in the Human Gene Mutation Database (HGMD: prior to June 1st, 2018), and was therefore a candidate for classification through an automated scoring system. Utilizing variant allele frequency, disease prevalence and penetrance estimates, and inheritance mode, an automated score was calculated to assess if this variant is too frequent to cause the disease. Based on the score and internal cut-off values, a variant classified as likely benign is not then subjected to further curation. The score for this variant resulted in a classification of likely benign for this disease.

Breakthrough Genomics
Classification: Likely benign. Review status: criteria provided, single submitter. Criteria: ACMG Guidelines, 2015. Collection method: not provided. Allele origin: germline. Inheritance: Autosomal dominant inheritance. Affected: yes.